The following is an entry in ClinVar:

NM_002206.3(ITGA7):c.2585A>G (p.Asn862Ser)

Gene: ITGA7 (integrin subunit alpha 7; minus strand). Cytogenetic location: 12q13.2.
Variant type: single nucleotide variant.
Coding change: c.2585A>G on transcript NM_002206.3 (MANE Select); coding-DNA position 2585, A replaced by G.
Protein change: p.Asn862Ser; replaces asparagine 862 with serine.
Molecular consequence: missense variant.
Genome position (GRCh38, 1-based): chr12:55,693,268, T>C on the plus strand (A>G on the coding strand, the complement: ITGA7 is on the minus strand). VCF-style: chr12-55693268-T-C. GRCh37 (hg19) VCF-style: chr12-56087052-T-C.
Other names: c.2597A>G, p.Asn866Ser (NM_001144996.2); c.2306A>G, p.Asn769Ser (NM_001144997.2); c.2258A>G, p.Asn753Ser (NM_001367993.1); c.1241A>G, p.Asn414Ser (NM_001367994.1); c.2567A>G, p.Asn856Ser (NM_001374465.1); c.2717A>G, p.Asn906Ser (NM_001410977.1); c.2579A>G, p.Asn860Ser (NM_001414029.1); c.2510A>G, p.Asn837Ser (NM_001414030.1); and 5 more; short protein forms N753S, N862S, N866S, N414S, N769S, N856S, N906S, N787S.
Identifiers: ClinVar variation 1524374 (VCV001524374.6), dbSNP rs2135990456, ClinGen allele CA385181741.

ClinVar aggregate classification (germline): Uncertain significance (1 of 4 stars; one submission).

Conditions:
Congenital muscular dystrophy due to integrin alpha-7 deficiency. Also called: MYOPATHY, CONGENITAL, DUE TO INTEGRIN ALPHA-7 DEFICIENCY; Muscular dystrophy, congenital, due to ITGA7 deficiency; Congenital muscular dystrophy with integrin alpha-7 deficiency. Identifiers: Orphanet 34520, MedGen C2750786, MONDO:0013177, OMIM 613204.

Submission:

Labcorp Genetics (formerly Invitae), Labcorp
Classification: Uncertain significance for Congenital muscular dystrophy due to integrin alpha-7 deficiency. Last evaluated: 2021-11-07. Review status: criteria provided, single submitter. Criteria: Invitae Variant Classification Sherloc (09022015). Collection method: clinical testing. Allele origin: germline.
Comment: Algorithms developed to predict the effect of sequence changes on RNA splicing suggest that this variant may create or strengthen a splice site. In summary, the available evidence is currently insufficient to determine the role of this variant in disease. Therefore, it has been classified as a Variant of Uncertain Significance. Algorithms developed to predict the effect of missense changes on protein structure and function are either unavailable or do not agree on the potential impact of this missense change (SIFT: "Tolerated"; PolyPhen-2: "Possibly Damaging"; Align-GVGD: "Class C0"). This variant has not been reported in the literature in individuals affected with ITGA7-related conditions. This variant is not present in population databases (gnomAD no frequency). This sequence change replaces asparagine, which is neutral and polar, with serine, which is neutral and polar, at codon 862 of the ITGA7 protein (p.Asn862Ser).